The following is an entry in ClinVar:

ClinVar aggregate classification (germline): Likely benign. Review status: criteria provided, multiple submitters, no conflicts (2 of 4 stars). 2 submissions from 2 submitters: Likely benign (2). Last evaluated 2025-12-10.

Allele frequency attached by ClinVar (database versions not stated): gnomAD exomes below 0.00001; ExAC 0.00001.
gnomAD v4.1: 6 of 1,614,030 alleles (0.00037%); highest among the groups gnomAD compares: Non-Finnish European, 0.00042%; no homozygotes.

Submissions (2):

Labcorp Genetics (formerly Invitae), Labcorp
Classification: Likely benign. Last evaluated: 2025-12-10. Review status: criteria provided, single submitter. Criteria: Invitae Variant Classification Sherloc (09022015). Collection method: clinical testing. Allele origin: germline.

CeGaT Center for Human Genetics Tuebingen
Classification: Likely benign. Last evaluated: 2023-07-01. Review status: criteria provided, single submitter. Criteria: CeGaT Center For Human Genetics Tuebingen Variant Classification Criteria Version 2. Collection method: clinical testing. Allele origin: germline. Affected: yes. Observed: 1 variant allele.
Comment: POLE: BP4, BP7

NM_006231.4(POLE):c.735T>C (p.Asn245=)

Gene: POLE (DNA polymerase epsilon, catalytic subunit; minus strand). Cytogenetic location: 12q24.33.
Variant type: single nucleotide variant.
Coding change: c.735T>C on transcript NM_006231.4 (MANE Select); coding-DNA position 735, T replaced by C.
Protein change: p.Asn245=; no amino-acid change (asparagine 245 retained).
Molecular consequence: synonymous variant.
Genome position (GRCh38, 1-based): chr12:132,677,429, A>G on the plus strand (T>C on the coding strand, the complement: POLE is on the minus strand). VCF-style: chr12-132677429-A-G. GRCh37 (hg19) VCF-style: chr12-133254015-A-G.
Identifiers: ClinVar variation 1081321 (VCV001081321.31), dbSNP rs774730133, ClinGen allele CA6894199.
Genomic context (GRCh38, chr12:132,677,429, plus strand): 5'-TTCAACAAGGTCATCTCGGCGGGTGATTTCTACCGGAAAAGCATTTCCTCGGTATCTGAC[A>G]TTGTACCAATGAGCCTGCAAAACACACAGTGTGCTAACTAGAGTTCTACATCCAGGAAAG-3'
Protein context (NP_006222.2, residues 235-255): DLKIHVAHWY[Asn245=]VRYRGNAFPV